The following is an entry in ClinVar:

NM_030662.4(MAP2K2):c.484G>A (p.Ala162Thr)

Gene: MAP2K2 (mitogen-activated protein kinase kinase 2; minus strand). Cytogenetic location: 19p13.3.
Variant type: single nucleotide variant.
Coding change: c.484G>A on transcript NM_030662.4 (MANE Select); coding-DNA position 484, G replaced by A.
Protein change: p.Ala162Thr; replaces alanine 162 with threonine.
Molecular consequence: missense variant.
Genome position (GRCh38, 1-based): chr19:4,102,420, C>T on the plus strand (G>A on the coding strand, the complement: MAP2K2 is on the minus strand). VCF-style: chr19-4102420-C-T. GRCh37 (hg19) VCF-style: chr19-4102418-C-T.
Other names: short protein forms A162T.
Identifiers: ClinVar variation 1743562 (VCV001743562.2), dbSNP rs2145057654, ClinGen allele CA403390134.

ClinVar aggregate classification (germline): Uncertain significance (1 of 4 stars; one submission).

Conditions:
Cardiovascular phenotype. Identifiers: MedGen CN230736.

Submission:

Ambry Genetics
Classification: Uncertain significance for Cardiovascular phenotype. Last evaluated: 2021-07-18. Review status: criteria provided, single submitter. Criteria: Ambry Variant Classification Scheme 2023. Collection method: clinical testing. Allele origin: germline.
Comment: The p.A162T variant (also known as c.484G>A), located in coding exon 4 of the MAP2K2 gene, results from a G to A substitution at nucleotide position 484. The alanine at codon 162 is replaced by threonine, an amino acid with similar properties. This amino acid position is conserved. In addition, the in silico prediction for this alteration is inconclusive. Since supporting evidence is limited at this time, the clinical significance of this alteration remains unclear.